The following is an entry in ClinVar:

NM_001083116.3(PRF1):c.1042G>A (p.Val348Met)

Gene: PRF1 (perforin 1; minus strand). Cytogenetic location: 10q22.1.
Variant type: single nucleotide variant.
Coding change: c.1042G>A on transcript NM_001083116.3 (MANE Select); coding-DNA position 1042, G replaced by A.
Protein change: p.Val348Met; replaces valine 348 with methionine.
Molecular consequence: missense variant.
Genome position (GRCh38, 1-based): chr10:70,598,679, C>T on the plus strand (G>A on the coding strand, the complement: PRF1 is on the minus strand). VCF-style: chr10-70598679-C-T. GRCh37 (hg19) VCF-style: chr10-72358435-C-T.
Other names: c.1042G>A, p.Val348Met (NM_005041.6); short protein forms V348M.
Identifiers: ClinVar variation 948250 (VCV000948250.6), dbSNP rs776338709, ClinGen allele CA5538841.
Genomic context (GRCh38, chr10:70,598,679, plus strand): 5'-GGTACTGACTCAGGGCCCTCCTCAGTGCCTCCCGCCGCGGGTCCTGGCTGTCCAGCAGCA[C>T]GTGCAGGGGTTCCAGGGTGTAGTCCACCAGGCCAGGGCTGCCGGGCAGCGAGTTTACCCA-3'
Protein context (NP_001076585.1, residues 338-358): LVDYTLEPLH[Val348Met]LLDSQDPRRE

ClinVar aggregate classification (germline): Conflicting classifications of pathogenicity. Review status: criteria provided, conflicting classifications (1 of 4 stars). 2 submissions from 2 submitters: Uncertain significance (1); Likely benign (1). Last evaluated 2023-08-24.

Conditions:
Familial hemophagocytic lymphohistiocytosis 2 (FHL2). Also called: PRF1-Related Familial Hemophagocytic Lymphohistiocytosis (PRF1-fHLH). Identifiers: Orphanet 540, MedGen C1863727, MONDO:0011337, OMIM 603553.

Allele frequency attached by ClinVar (database versions not stated): TOPMed 0.00002.
gnomAD v4.1: 35 of 1,613,934 alleles (0.0022%); highest among the groups gnomAD compares: East Asian, 0.0045%; no homozygotes.

Submissions (2):

Labcorp Genetics (formerly Invitae), Labcorp
Classification: Uncertain significance for Familial hemophagocytic lymphohistiocytosis 2. Last evaluated: 2023-08-24. Review status: criteria provided, single submitter. Criteria: Invitae Variant Classification Sherloc (09022015). Collection method: clinical testing. Allele origin: germline.
Comment: This variant is present in population databases (rs776338709, gnomAD 0.01%). In summary, the available evidence is currently insufficient to determine the role of this variant in disease. Therefore, it has been classified as a Variant of Uncertain Significance. Algorithms developed to predict the effect of missense changes on protein structure and function output the following: SIFT: "Not Available"; PolyPhen-2: "Benign"; Align-GVGD: "Not Available". The methionine amino acid residue is found in multiple mammalian species, which suggests that this missense change does not adversely affect protein function. ClinVar contains an entry for this variant (Variation ID: 948250). This missense change has been observed in individual(s) with hemophagocytic lymphohistiocytosis (PMID: 21881043, 28353193). This sequence change replaces valine, which is neutral and non-polar, with methionine, which is neutral and non-polar, at codon 348 of the PRF1 protein (p.Val348Met).

Blueprint Genetics
Classification: Likely benign. Last evaluated: 2022-10-26. Review status: criteria provided, single submitter. Criteria: ACMG Guidelines, 2015. Collection method: clinical testing. Allele origin: germline.

Literature cited by the submitters: PubMed 21881043 (cited by Labcorp Genetics (formerly Invitae), Labcorp); PubMed 28353193 (cited by Labcorp Genetics (formerly Invitae), Labcorp).